The following is an entry in ClinVar:

NM_001009944.3(PKD1):c.4475G>T (p.Arg1492Leu)

Gene: PKD1 (polycystin 1, transient receptor potential channel interacting; minus strand). Cytogenetic location: 16p13.3.
Variant type: single nucleotide variant.
Coding change: c.4475G>T on transcript NM_001009944.3 (MANE Select); coding-DNA position 4475, G replaced by T.
Protein change: p.Arg1492Leu; replaces arginine 1492 with leucine.
Molecular consequence: missense variant.
Genome position (GRCh38, 1-based): chr16:2,110,692, C>A on the plus strand (G>T on the coding strand, the complement: PKD1 is on the minus strand). VCF-style: chr16-2110692-C-A. GRCh37 (hg19) VCF-style: chr16-2160693-C-A.
Other names: c.4475G>T, p.Arg1492Leu (NM_000296.4); short protein forms R1492L.
Identifiers: ClinVar variation 4070668 (VCV004070668.1).
Genomic context (GRCh38, chr16:2,110,692, plus strand): 5'-TCCGGACCCTCGAGCCACCCACCGTCCCCCAGATCCCACAGGTAGCTGGCGGGGCGCCCA[C>A]GGCCCACAGCAGAGAACAGGTACGGCTGCTGCAGCTCCAGCCCAAGGGAGCCATTGACCT-3'
Protein context (NP_001009944.3, residues 1482-1502): QQPYLFSAVG[Arg1492Leu]GRPASYLWDL

ClinVar aggregate classification (germline): Uncertain significance (1 of 4 stars; one submission).

gnomAD v4.1: 5 of 1,610,294 alleles (0.00031%); highest among the groups gnomAD compares: South Asian, 0.0044%; no homozygotes.

Submission:

GeneDx
Classification: Uncertain significance. Last evaluated: 2025-01-15. Review status: criteria provided, single submitter. Criteria: GeneDx Variant Classification Process June 2021. Collection method: clinical testing. Allele origin: germline. Affected: yes.
Comment: In silico analysis indicates that this missense variant does not alter protein structure/function; Has not been previously published as pathogenic or benign to our knowledge